The following is an entry in ClinVar:

NC_000004.11:g.(?_39184178)_(39184203_?)del

Gene: WDR19 (WD repeat domain 19; plus strand). Cytogenetic location: 4p14.
Variant type: Deletion.
Identifiers: ClinVar variation 1454330 (VCV001454330.3).

ClinVar aggregate classification (germline): Pathogenic (1 of 4 stars; one submission).

Conditions:
Asphyxiating thoracic dystrophy 5 (SRTD5). Also called: SHORT-RIB THORACIC DYSPLASIA 5 WITH OR WITHOUT POLYDACTYLY; SHORT-RIB THORACIC DYSPLASIA 5 WITHOUT POLYDACTYLY. Identifiers: Orphanet 474, MedGen C3280598, MONDO:0013717, OMIM 614376.
Senior-Loken syndrome 8 (SLSN8). Identifiers: Orphanet 3156, MedGen C4225376, MONDO:0014579, OMIM 616307.

Submission:

Labcorp Genetics (formerly Invitae), Labcorp
Classification: Pathogenic for Senior-Loken syndrome 8; Asphyxiating thoracic dystrophy 5. Last evaluated: 2021-09-14. Review status: criteria provided, single submitter. Criteria: Invitae Variant Classification Sherloc (09022015). Collection method: clinical testing. Allele origin: germline.
Comment: This variant is a gross deletion of the genomic region encompassing exon(s) 1 of the WDR19 gene, which includes the initiator codon. This deletion extends beyond the assayed region for this gene and therefore may encompass additional genes. It is expected to result in an absent or disrupted protein product. Loss-of-function variants in WDR19 are known to be pathogenic (PMID: 22019273, 23559409, 23683095, 26275793, 27241786, 29068549). This variant has not been reported in the literature in individuals affected with WDR19-related conditions. For these reasons, this variant has been classified as Pathogenic.

Literature cited by the submitters: PubMed 22019273; PubMed 23559409; PubMed 23683095; PubMed 26275793; PubMed 27241786; PubMed 29068549.